The following is an entry in ClinVar:

ClinVar aggregate classification (germline): Uncertain significance (1 of 4 stars; one submission).

Submission:

Ambry Genetics
Classification: Uncertain significance. Last evaluated: 2024-10-14. Review status: criteria provided, single submitter. Criteria: Ambry Variant Classification Scheme 2023. Collection method: clinical testing. Allele origin: germline.
Comment: The p.W1124G variant (also known as c.3370T>G), located in coding exon 16 of the POLQ gene, results from a T to G substitution at nucleotide position 3370. The tryptophan at codon 1124 is replaced by glycine, an amino acid with highly dissimilar properties. This amino acid position is conserved. In addition, this alteration is predicted to be tolerated by in silico analysis. Based on the available evidence, the clinical significance of this variant remains unclear.

NM_199420.4(POLQ):c.3370T>G (p.Trp1124Gly)

Gene: POLQ (DNA polymerase theta; minus strand). Cytogenetic location: 3q13.33.
Variant type: single nucleotide variant.
Coding change: c.3370T>G on transcript NM_199420.4 (MANE Select); coding-DNA position 3370, T replaced by G.
Protein change: p.Trp1124Gly; replaces tryptophan 1124 with glycine.
Molecular consequence: missense variant.
Genome position (GRCh38, 1-based): chr3:121,489,561, A>C on the plus strand (T>G on the coding strand, the complement: POLQ is on the minus strand). VCF-style: chr3-121489561-A-C. GRCh37 (hg19) VCF-style: chr3-121208408-A-C.
Other names: short protein forms W1124G.
Identifiers: ClinVar variation 3422598 (VCV003422598.1).